The following is an entry in ClinVar:

NM_016146.6(TRAPPC4):c.351-1G>T

Gene: TRAPPC4 (trafficking protein particle complex subunit 4; plus strand). Cytogenetic location: 11q23.3.
Variant type: single nucleotide variant.
Coding change: c.351-1G>T on transcript NM_016146.6 (MANE Select); the canonical splice acceptor site of the intron before coding-DNA position 351, G replaced by T.
Molecular consequence: splice acceptor variant. On other transcripts: intron variant (3).
Genome position (GRCh38, 1-based): chr11:119,020,149, G>T. VCF-style: chr11-119020149-G-T. GRCh37 (hg19) VCF-style: chr11-118890859-G-T.
Other names: c.36-1G>T (NM_001318492.2); c.351-1G>T (NM_001318488.2); c.136+832G>T (NM_001318486.2); c.244-56G>T (NM_001318489.2); c.222-1G>T (NM_001318490.2); c.175+1179G>T (NM_001318494.2).
Identifiers: ClinVar variation 5002752 (VCV005002752.1).
Genomic context (GRCh38, chr11:119,020,149, plus strand): 5'-CTTCAGTGGAAGTTTGAGAAGCACTCCTTCCTTAGAGCAACTTTGCCTCCTTTGCATATA[G>T]GCTCTTTGCCATCGGCTCCCAGCTGTCTCCTGAACAGGGAAGCTCAGGCATTGAGATGCT-3'

ClinVar aggregate classification (germline): Uncertain significance (1 of 4 stars; one submission).

Conditions:
Neurodevelopmental disorder with epilepsy, spasticity, and brain atrophy. Identifiers: MedGen C5394027, MONDO:0032894, OMIM 618741.

Submission:

OLLIN Analises Genomicas, OLLIN
Classification: Uncertain significance for Neurodevelopmental disorder with epilepsy, spasticity, and brain atrophy. Last evaluated: 2026-08-06. Review status: criteria provided, single submitter. Criteria: ACMG Guidelines 2015 PMID 25741868. Collection method: clinical testing. Allele origin: germline. Inheritance: Autosomal recessive inheritance.
Comment: This variant, located at the canonical splicing site (splice acceptor), is absent from gnomAD and ClinVar and has not been identified in the literature. This variant is predicted to disrupt a canonical splice site, potentially leading to exon skipping, mRNA degradation via nonsense-mediated decay (NMD), or production of a truncated protein. According to the currently available evidence, this variant has been classified as uncertain significance (PVS1_M, PM2_P, PM3).